The following is an entry in ClinVar:

NM_003906.5(MCM3AP):c.4392G>A (p.Met1464Ile)

Genes: MCM3AP (minichromosome maintenance complex component 3 associated protein; minus strand), MCM3AP-AS1 (MCM3AP antisense RNA 1; plus strand). Cytogenetic location: 21q22.3.
Variant type: single nucleotide variant.
Coding change: c.4392G>A on transcript NM_003906.5 (MANE Select); coding-DNA position 4392, G replaced by A.
Protein change: p.Met1464Ile; replaces methionine 1464 with isoleucine.
Molecular consequence: missense variant.
Genome position (GRCh38, 1-based): chr21:46,246,785, C>T on the plus strand (G>A on the coding strand, the complement: MCM3AP is on the minus strand). VCF-style: chr21-46246785-C-T. GRCh37 (hg19) VCF-style: chr21-47666699-C-T.
Other names: short protein forms M1464I.
Identifiers: ClinVar variation 2585468 (VCV002585468.1), dbSNP rs2517328684, ClinGen allele CA410545470.

ClinVar aggregate classification (germline): Uncertain significance (1 of 4 stars; one submission).

Conditions:
Peripheral neuropathy, autosomal recessive, with or without impaired intellectual development. Identifiers: MedGen C4748283, MONDO:0029131, OMIM 618124.

Submission:

Neuberg Centre For Genomic Medicine, NCGM
Classification: Uncertain significance for Peripheral neuropathy, autosomal recessive, with or without impaired intellectual development. Review status: criteria provided, single submitter. Criteria: ACMG Guidelines, 2015. Collection method: clinical testing. Allele origin: germline. Inheritance: Autosomal recessive inheritance. Affected: yes.
Comment: The missense variant in c.4392G>A (p.Met1464Ile) in MCM3AP gene has not been reported previously as a pathogenic variant nor as a benign variant, to our knowledge. The p.Met1464Ile variant is novel (not in any individuals) in gnomAD Exomes and 1000 Genomes database. The amino acid Met at position 1464 is changed to a Ile changing protein sequence and it might alter its composition and physico-chemical properties. In silico tools predict the variant to be tolerated. The residue is conserved across species. The amino acid change p.Met1464Ile in MCM3AP is predicted as conserved by GERP++. For these reasons, this variant has been classified as Uncertain Significance.